The following is an entry in ClinVar:

ClinVar aggregate classification (germline): Likely benign (1 of 4 stars; one submission).

Conditions:
PHIP-related disorder. Also called: PHIP-related disorders; PHIP-related condition.

gnomAD v4.1: 16 of 1,571,410 alleles (0.001%); highest among the groups gnomAD compares: Admixed American, 0.0018%; no homozygotes.

Submission:

PreventionGenetics, part of Exact Sciences
Classification: Likely benign for PHIP-related condition. Last evaluated: 2025-07-17. Review status: criteria provided, single submitter. Criteria: ACMG Guidelines, 2015. Collection method: clinical testing. Allele origin: germline.
Comment: This variant is classified as likely benign based on ACMG/AMP sequence variant interpretation guidelines (Richards et al. 2015 PMID: 25741868, with internal and published modifications).

NM_017934.7(PHIP):c.190-9A>C

Gene: PHIP (PHIP subunit of CUL4-Ring ligase complex; minus strand). Cytogenetic location: 6q14.1.
Variant type: single nucleotide variant.
Coding change: c.190-9A>C on transcript NM_017934.7 (MANE Select); 9 bases into the intron before coding-DNA position 190, A replaced by C.
Molecular consequence: intron variant.
Genome position (GRCh38, 1-based): chr6:79,060,827, T>G on the plus strand (A>C on the coding strand, the complement: PHIP is on the minus strand). VCF-style: chr6-79060827-T-G. GRCh37 (hg19) VCF-style: chr6-79770544-T-G.
Identifiers: ClinVar variation 4989310 (VCV004989310.1).
Genomic context (GRCh38, chr6:79,060,827, plus strand): 5'-GATGACATATTTGCAGCAAGTGATCAGGTGCTAAGTGTCTGTAATACTTCACCTATTATG[T>G]AAAAGACAAATATAGTAGGTTTCAGTTTATCATTTTAATTTTCAAAATCTTTGAGCAACA-3'